The following is an entry in ClinVar:

ClinVar aggregate classification (germline): Uncertain significance (1 of 4 stars; one submission).

Conditions:
Hereditary pheochromocytoma and paraganglioma. Also called: Hereditary paragangliomas and pheochromocytomas; Hereditary Paraganglioma-Pheochromocytoma Syndromes; Hereditary pheochromocytoma-paraganglioma. Identifiers: Orphanet 29072, MedGen C4274332, MONDO:0017366.

Submission:

Labcorp Genetics (formerly Invitae), Labcorp
Classification: Uncertain significance for Hereditary pheochromocytoma and paraganglioma. Last evaluated: 2024-01-12. Review status: criteria provided, single submitter. Criteria: Invitae Variant Classification Sherloc (09022015). Collection method: clinical testing. Allele origin: germline.
Comment: This sequence change replaces tyrosine, which is neutral and polar, with histidine, which is basic and polar, at codon 70 of the MAX protein (p.Tyr70His). This variant is not present in population databases (gnomAD no frequency). This variant has not been reported in the literature in individuals affected with MAX-related conditions. ClinVar contains an entry for this variant (Variation ID: 1924557). An algorithm developed to predict the effect of missense changes on protein structure and function (PolyPhen-2) suggests that this variant is likely to be tolerated. In summary, the available evidence is currently insufficient to determine the role of this variant in disease. Therefore, it has been classified as a Variant of Uncertain Significance.

NM_002382.5(MAX):c.208T>C (p.Tyr70His)

Gene: MAX (MYC associated transcriptional regulator X; minus strand). Cytogenetic location: 14q23.3.
Variant type: single nucleotide variant.
Coding change: c.208T>C on transcript NM_002382.5 (MANE Select); coding-DNA position 208, T replaced by C.
Protein change: p.Tyr70His; replaces tyrosine 70 with histidine.
Molecular consequence: missense variant. On other transcripts: 5 prime UTR variant (1), intron variant (2).
Genome position (GRCh38, 1-based): chr14:65,078,000, A>G on the plus strand (T>C on the coding strand, the complement: MAX is on the minus strand). VCF-style: chr14-65078000-A-G. GRCh37 (hg19) VCF-style: chr14-65544718-A-G.
Other names: c.-67T>C (NM_001320415.2, NM_001407105.1, NM_001407106.1 and 1 more transcripts); c.208T>C, p.Tyr70His (NM_001407094.1, NM_001407096.1, NM_001407097.1 and 3 more transcripts); c.181T>C, p.Tyr61His (NM_001407095.1, NM_001407099.1, NM_001407100.1 and 6 more transcripts); c.100T>C, p.Tyr34His (NM_001407098.1); c.-160T>C (NM_001407111.1, NM_001407112.1); c.144+15708T>C (NM_001271069.2); c.171+15708T>C (NM_197957.4); short protein forms Y61H, Y70H, Y34H.
Identifiers: ClinVar variation 1924557 (VCV001924557.5), dbSNP rs2139755097, ClinGen allele CA390035863.